The following is an entry in ClinVar:

ClinVar aggregate classification (germline): Uncertain significance. Review status: criteria provided, multiple submitters, no conflicts (2 of 4 stars). 2 submissions from 2 submitters: Uncertain significance (2). Last evaluated 2025-10-18.

Conditions:
Inborn genetic diseases. Identifiers: MedGen C0950123, MeSH D030342.

Allele frequency attached by ClinVar (database versions not stated): gnomAD exomes 0.00001; TOPMed 0.00001.
gnomAD v4.1: 13 of 1,614,148 alleles (0.00081%); highest among the groups gnomAD compares: Non-Finnish European, 0.001%; no homozygotes.

Submissions (2):

Ambry Genetics
Classification: Uncertain significance for Inborn genetic diseases. Last evaluated: 2025-10-18. Review status: criteria provided, single submitter. Criteria: Ambry Variant Classification Scheme 2023. Collection method: clinical testing. Allele origin: germline.

Labcorp Genetics (formerly Invitae), Labcorp
Classification: Uncertain significance. Last evaluated: 2022-10-12. Review status: criteria provided, single submitter. Criteria: Invitae Variant Classification Sherloc (09022015). Collection method: clinical testing. Allele origin: germline.
Comment: This variant is not present in population databases (gnomAD no frequency). In summary, the available evidence is currently insufficient to determine the role of this variant in disease. Therefore, it has been classified as a Variant of Uncertain Significance. Algorithms developed to predict the effect of missense changes on protein structure and function are either unavailable or do not agree on the potential impact of this missense change (SIFT: "Deleterious"; PolyPhen-2: "Probably Damaging"; Align-GVGD: "Class C0"). This variant has not been reported in the literature in individuals affected with ASH1L-related conditions. This sequence change replaces lysine, which is basic and polar, with asparagine, which is neutral and polar, at codon 894 of the ASH1L protein (p.Lys894Asn).

NM_018489.3(ASH1L):c.2682G>C (p.Lys894Asn)

Gene: ASH1L (ASH1 like histone lysine methyltransferase; minus strand). Cytogenetic location: 1q22.
Variant type: single nucleotide variant.
Coding change: c.2682G>C on transcript NM_018489.3 (MANE Select); coding-DNA position 2682, G replaced by C.
Protein change: p.Lys894Asn; replaces lysine 894 with asparagine.
Molecular consequence: missense variant.
Genome position (GRCh38, 1-based): chr1:155,480,188, C>G on the plus strand (G>C on the coding strand, the complement: ASH1L is on the minus strand). VCF-style: chr1-155480188-C-G. GRCh37 (hg19) VCF-style: chr1-155449979-C-G.
Other names: c.2682G>C, p.Lys894Asn (NM_001366177.2); c.2682G>C (NM_018489.2); short protein forms K894N.
Identifiers: ClinVar variation 2192169 (VCV002192169.5), dbSNP rs1036757061, ClinGen allele CA30914090.
Genomic context (GRCh38, chr1:155,480,188, plus strand): 5'-AACAAATGGAGCCACTGACAGTACAGGTGGCTTCATCTTGACTGGTGACCTCATTTGCCT[C>G]TTAGGCCTGCCTCTCTTTTTTGGAAAAGGAGACACAGACAGACCTTGTTTGAAGGAAGGG-3'
Protein context (NP_060959.2, residues 884-904): SPFPKKRGRP[Lys894Asn]RQMRSPVKMK